The following is an entry in ClinVar:

NM_198253.3(TERT):c.1094T>C (p.Phe365Ser)

Gene: TERT (telomerase reverse transcriptase; minus strand). Cytogenetic location: 5p15.33.
Variant type: single nucleotide variant.
Coding change: c.1094T>C on transcript NM_198253.3 (MANE Select); coding-DNA position 1094, T replaced by C.
Protein change: p.Phe365Ser; replaces phenylalanine 365 with serine.
Molecular consequence: missense variant. On other transcripts: non-coding transcript variant (2).
Genome position (GRCh38, 1-based): chr5:1,293,792, A>G on the plus strand (T>C on the coding strand, the complement: TERT is on the minus strand). VCF-style: chr5-1293792-A-G. GRCh37 (hg19) VCF-style: chr5-1293907-A-G.
Other names: c.1094T>C, p.Phe365Ser (NM_001193376.3); short protein forms F365S.
Identifiers: ClinVar variation 3367149 (VCV003367149.1).
Genomic context (GRCh38, chr5:1,293,792, plus strand): 5'-CGCTGGGGCAGGCGGGGCAACCTGCGGGGAGTCCCTGGCATCCAGGGCCTGGAACCCAGA[A>G]AGATGGTCTCCACGAGCCTCCGAGCGCCAGTCAGGCTGGGCCTCAGAGAGCTGAGTAGGA-3'
Protein context (NP_937983.2, residues 355-375): TGARRLVETI[Phe365Ser]LGSRPWMPGT

ClinVar aggregate classification (germline): Uncertain significance (1 of 4 stars; one submission).

Conditions:
Dyskeratosis congenita, autosomal dominant 2. Identifiers: MedGen C3151443, MONDO:0013521, OMIM 613989.

Submission:

Neuberg Centre For Genomic Medicine, NCGM
Classification: Uncertain significance for Dyskeratosis congenita, autosomal dominant 2. Last evaluated: 2023-05-20. Review status: criteria provided, single submitter. Criteria: ACMG Guidelines, 2015. Collection method: clinical testing. Allele origin: germline. Inheritance: Autosomal dominant inheritance. Affected: yes.
Comment: The missense variant c.1094T>C (p.Phe365Ser) in the TERT gene has not been reported previously as a pathogenic variant nor as a benign variant, to our knowledge. This variant is absent in the gnomAD Exomes. The amino acid Phenylalanine at position 365 is changed to a Serine changing protein sequence and it might alter its composition and physico-chemical properties. Multiple lines of computational evidence (Polyphen - Damaging, SIFT - Damaging and MutationTaster - Disease causing) predict a damaging effect on protein structure and function for this variant. For these reasons, this variant has been classified as Uncertain Significance.